The following is an entry in ClinVar:

NM_001128178.3(NPHP1):c.780C>T (p.Asn260=)

Gene: NPHP1 (nephrocystin 1; minus strand). Cytogenetic location: 2q13.
Variant type: single nucleotide variant.
Coding change: c.780C>T on transcript NM_001128178.3 (MANE Select); coding-DNA position 780, C replaced by T.
Protein change: p.Asn260=; no amino-acid change (asparagine 260 retained).
Molecular consequence: synonymous variant.
Genome position (GRCh38, 1-based): chr2:110,163,127, G>A on the plus strand (C>T on the coding strand, the complement: NPHP1 is on the minus strand). VCF-style: chr2-110163127-G-A. GRCh37 (hg19) VCF-style: chr2-110920704-G-A.
Other names: c.948C>T (NM_000272.3); c.948C>T, p.Asn316= (NM_000272.5); c.591C>T, p.Asn197= (NM_001128179.3); c.777C>T, p.Asn259= (NM_001374256.1); c.780C>T, p.Asn260= (NM_001374257.1); c.945C>T, p.Asn315= (NM_207181.4).
Identifiers: ClinVar variation 1896677 (VCV001896677.7), dbSNP rs1313086109, ClinGen allele CA427918786.
Genomic context (GRCh38, chr2:110,163,127, plus strand): 5'-GAGCGTGGAAGGCCTGAACCCTGCAGGAATAGCTCCCATCGTAGTTAACACATCAACAGT[G>A]TTTATCTGCTGAAGACAGTAACATCAAAATGGATTTGTTTTCAGTCATGTTTCTGCATCT-3'
Protein context (NP_001121650.1, residues 250-270): AVQKAISEQI[Asn260=]TVDVLTTMGA

ClinVar aggregate classification (germline): Likely benign. Review status: criteria provided, single submitter (1 of 4 stars). 2 submissions from 2 submitters: Likely benign (1). 1 of the submissions does not count toward it. Last evaluated 2025-05-05.

Conditions:
NPHP1-related disorder. Also called: NPHP1-related disorders; NPHP1-related condition.
Nephronophthisis. Also called: Juvenile Nephronophthisis. Identifiers: Orphanet 655, MedGen C0687120, MONDO:0019005, HP:0000090.

Allele frequency attached by ClinVar (database versions not stated): gnomAD exomes below 0.00001; gnomAD 0.00001; TOPMed 0.00003.
gnomAD v4.1: 4 of 1,608,476 alleles (0.00025%); highest among the groups gnomAD compares: African/African-American, 0.0013%; no homozygotes.

Submissions (2):

Labcorp Genetics (formerly Invitae), Labcorp
Classification: Likely benign for Nephronophthisis. Last evaluated: 2025-05-05. Review status: criteria provided, single submitter. Criteria: Invitae Variant Classification Sherloc (09022015). Collection method: clinical testing. Allele origin: germline.

PreventionGenetics, part of Exact Sciences
Classification: Likely benign for NPHP1-related condition. Last evaluated: 2020-08-25. Review status: no assertion criteria provided. Collection method: clinical testing. Allele origin: germline. Not counted in ClinVar's aggregate classification.
Comment: This variant is classified as likely benign based on ACMG/AMP sequence variant interpretation guidelines (Richards et al. 2015 PMID: 25741868, with internal and published modifications).